The following is an entry in ClinVar:

ClinVar aggregate classification (germline): Uncertain significance (1 of 4 stars; one submission).

Conditions:
Neurodevelopmental disorder. Identifiers: MedGen C1535926, MeSH D065886, MONDO:0700092.

Allele frequency attached by ClinVar (database versions not stated): gnomAD exomes below 0.00001; ExAC 0.00001; gnomAD 0.00001; TOPMed 0.00001.
gnomAD v4.1: 5 of 1,613,998 alleles (0.00031%); highest among the groups gnomAD compares: Non-Finnish European, 0.00025%; no homozygotes.

Submission:

Victorian Clinical Genetics Services, Murdoch Childrens Research Institute
Classification: Uncertain significance for Neurodevelopmental disorder. Last evaluated: 2020-10-19. Review status: criteria provided, single submitter. Criteria: ACMG Guidelines, 2015. Collection method: clinical testing. Allele origin: germline. Inheritance: Autosomal dominant inheritance.
Comment: Based on the classification scheme VCGS_Germline_v1.3.3, this variant is classified as 3A-VUS. Following criteria are met: 0101 - Gain of function is a known mechanism of disease in this gene and is associated with intellectual disability and epilepsy. Missense variants have been functionally proven to increase basal function and intracellular calcium levels (PMID: 32427099). (I) 0107 - This gene is associated with autosomal dominant disease (PMID: 31278393). (I) 0211 - Canonical splice site variant without proven consequence on splicing (no functional evidence available). (SP) 0219 - This variant is deep intronic in an alternative transcript. (I) 0251 - This variant is heterozygous. (I) 0302 - Variant is present in gnomAD (v2) <0.001 for a dominant condition (2 heterozygotes, 0 homozygotes). (SP) 0311 - An alternative nucleotide change at the same canonical splice site is present in gnomAD at a frequency of (1 heterozygote, 0 homozygote). (I) 0505 - Abnormal splicing is predicted by in silico tools and affected nucleotide is highly conserved. (SP) 0705 - No comparable variants at this splice site have previous evidence for pathogenicity. (I) 0807 - This variant has no previous evidence of pathogenicity. (I) 0905 - No published segregation evidence has been identified for this variant. (I) 1007 - No published functional evidence has been identified for this variant. (I) 1208 - Inheritance information for this variant is not currently available in this individual. (I) Legend: (SP) - Supporting pathogenic, (I) - Information, (SB) - Supporting benign

Literature cited by the submitters: PubMed 31278393; PubMed 32427099.

NM_001366145.2(TRPM3):c.3223+1G>A

Gene: TRPM3 (transient receptor potential cation channel subfamily M member 3; minus strand). Cytogenetic location: 9q21.12.
Variant type: single nucleotide variant.
Coding change: c.3223+1G>A on transcript NM_001366145.2 (MANE Select); the canonical splice donor site of the intron after coding-DNA position 3223, G replaced by A.
Molecular consequence: splice donor variant.
Genome position (GRCh38, 1-based): chr9:70,591,030, C>T on the plus strand (G>A on the coding strand, the complement: TRPM3 is on the minus strand). VCF-style: chr9-70591030-C-T. GRCh37 (hg19) VCF-style: chr9-73205946-C-T.
Other names: c.3193+1G>A (NM_001366143.2, NM_001366141.2, NM_001366149.2); c.3229+1G>A (NM_001366142.2); c.3157+1G>A (NM_001366150.2); c.3187+1G>A (NM_001366151.2, NM_001007471.4); c.3223+1G>A (NM_001366146.2); c.3268+1G>A (NM_001366148.2); c.3298+1G>A (NM_001366152.2, NM_001366147.2); c.2698+1G>A (NM_206944.5); and 5 more.
Identifiers: ClinVar variation 1805837 (VCV001805837.1), dbSNP rs760339927, ClinGen allele CA5078113.